The following is an entry in ClinVar:

ClinVar aggregate classification (germline): Pathogenic/Likely pathogenic. Review status: criteria provided, multiple submitters, no conflicts (2 of 4 stars). 4 submissions from 4 submitters: Pathogenic (1); Likely pathogenic (3). Last evaluated 2025-10-16.

Conditions:
Saldino-Mainzer syndrome (SRTD9). Also called: short-rib thoracic dysplasia 9 with or without polydactyly; CONORENAL SYNDROME; SHORT-RIB THORACIC DYSPLASIA 9 WITHOUT POLYDACTYLY; Renal dysplasia, retinal pigmentary dystrophy, cerebellar ataxia and skeletal dysplasia. Identifiers: Orphanet 140969, MedGen C1849437, MONDO:0009964, OMIM 266920.
Retinitis pigmentosa 80 (RP80). Identifiers: MedGen C4540439, MONDO:0054708, OMIM 617781.
IFT140-related disorder. Also called: IFT140-related condition.

Submissions (4):

Labcorp Genetics (formerly Invitae), Labcorp
Classification: Pathogenic for Saldino-Mainzer syndrome. Last evaluated: 2025-10-16. Review status: criteria provided, single submitter. Criteria: Invitae Variant Classification Sherloc (09022015). Collection method: clinical testing. Allele origin: germline.
Comment: This sequence change creates a premature translational stop signal (p.His57Serfs*28) in the IFT140 gene. It is expected to result in an absent or disrupted protein product. Loss-of-function variants in IFT140 are known to be pathogenic (PMID: 22503633, 23418020, 24009529, 26216056). This variant is not present in population databases (gnomAD no frequency). This variant has not been reported in the literature in individuals affected with IFT140-related conditions. For these reasons, this variant has been classified as Pathogenic.

PreventionGenetics, part of Exact Sciences
Classification: Likely pathogenic for IFT140-related condition. Last evaluated: 2025-02-28. Review status: criteria provided, single submitter. Criteria: ACMG Guidelines, 2015. Collection method: clinical testing. Allele origin: germline.
Comment: The IFT140 c.168_171delACAC variant is predicted to result in a frameshift and premature protein termination (p.His57Serfs*28). To our knowledge, this variant has not been reported in the literature or in a large population database (gnomAD), indicating this variant is rare. Frameshift variants in IFT140 are expected to be pathogenic. Of note, a 17bp deletion crossing the boundary of the precoding region and the first coding exon, defined as c.-11_6del, has been reported in the compound heterozygous state with a canonical splice variant in an individual with Opitz trigonocephaly C syndrome (OTCS), indicating that the most upstream coding sequence including the first coding exon is essential for the protein function (Peña-Padilla et al. 2017. PubMed ID: 27874174). Since loss-of-function of IFT140 is the disease causing mechanism for both autosomal dominant and recessive IFT140-related disorders, the c.168_171delACAC (p.His57Serfs*28) variant is interpreted as likely pathogenic for both autosomal dominant and recessive IFT140-related disorders.

Fulgent Genetics
Classification: Likely pathogenic for Saldino-Mainzer syndrome; Retinitis pigmentosa 80. Last evaluated: 2024-04-29. Review status: criteria provided, single submitter. Criteria: ACMG Guidelines, 2015. Collection method: clinical testing. Allele origin: germline.

MVZ Medizinische Genetik Mainz
Classification: Likely pathogenic for Retinitis pigmentosa 80. Last evaluated: 2024-02-28. Review status: criteria provided, single submitter. Criteria: UK Practice Guidelines For Variant Classification V4 01 2020. Collection method: clinical testing. Allele origin: germline. Inheritance: Autosomal dominant inheritance. Affected: yes. Observed: 1 variant allele.

Literature cited by the submitters: PubMed 22503633 (cited by Labcorp Genetics (formerly Invitae), Labcorp); PubMed 23418020 (cited by Labcorp Genetics (formerly Invitae), Labcorp); PubMed 24009529 (cited by Labcorp Genetics (formerly Invitae), Labcorp); PubMed 26216056 (cited by Labcorp Genetics (formerly Invitae), Labcorp).

NM_014714.4(IFT140):c.168_171del (p.His57fs)

Genes: IFT140 (intraflagellar transport 140; minus strand), LOC105371046 (uncharacterized LOC105371046; plus strand). Cytogenetic location: 16p13.3.
Variant type: Microsatellite.
Coding change: c.168_171del on transcript NM_014714.4 (MANE Select); coding-DNA positions 168 to 171, 4 bases deleted (ACAC; older notation c.168_171delACAC).
Protein change: p.His57fs; shifts the reading frame from histidine 57.
Molecular consequence: frameshift variant.
Genome position (GRCh38, 1-based): chr16:1,602,568-1,602,571, GTGT deleted on the plus strand (ACAC on the coding strand, the reverse complement: IFT140 is on the minus strand); deleting any 4 consecutive bases within chr16:1,602,568-1,602,573 gives the same sequence; the c. name uses the placement nearest the transcript's 3' end. VCF-style (leftmost placement, unchanged base first): chr16-1602567-CGTGT-C. GRCh37 (hg19) VCF-style: chr16-1652568-CGTGT-C.
Other names: c.168_171delACAC (NM_014714.3); short protein forms H57fs.
Identifiers: ClinVar variation 3234075 (VCV003234075.4), dbSNP rs2508572124, ClinGen allele CA2575870450.